The following is an entry in ClinVar:

NM_001367561.1(DOCK7):c.1265T>C (p.Val422Ala)

Gene: DOCK7 (dedicator of cytokinesis 7; minus strand). Cytogenetic location: 1p31.3.
Variant type: single nucleotide variant.
Coding change: c.1265T>C on transcript NM_001367561.1 (MANE Select); coding-DNA position 1265, T replaced by C.
Protein change: p.Val422Ala; replaces valine 422 with alanine.
Molecular consequence: missense variant.
Genome position (GRCh38, 1-based): chr1:62,631,257, A>G on the plus strand (T>C on the coding strand, the complement: DOCK7 is on the minus strand). VCF-style: chr1-62631257-A-G. GRCh37 (hg19) VCF-style: chr1-63096928-A-G.
Other names: c.1265T>C (NM_033407.2); c.1265T>C, p.Val422Ala (NM_001271999.2, NM_001272000.2, NM_001272001.2 and 3 more transcripts); short protein forms V422A.
Identifiers: ClinVar variation 475124 (VCV000475124.49), dbSNP rs199708701, ClinGen allele CA886997.
Genomic context (GRCh38, chr1:62,631,257, plus strand): 5'-AAAAAGTAAACATTTAGAAATGTTTTGTATGAAACACTCTTACCTCCAGTACTGATTTCT[A>G]CTTCTGTAGAATCTCTTTCCAAACTCCCAGCACTGCTAACAATATTCATTAAATGGATTG-3'
Protein context (NP_001354490.1, residues 412-432): AGSLERDSTE[Val422Ala]EISTGERKGS

ClinVar aggregate classification (germline): Conflicting classifications of pathogenicity. Review status: criteria provided, conflicting classifications (1 of 4 stars). 4 submissions from 4 submitters: Uncertain significance (3); Likely benign (1). Last evaluated 2024-12-11.

Conditions:
Inborn genetic diseases. Identifiers: MedGen C0950123, MeSH D030342.
Developmental and epileptic encephalopathy, 23 (DEE23). Also called: Epileptic encephalopathy, early infantile, 23. Identifiers: Orphanet 411986, MedGen C4014492, MONDO:0014371, OMIM 615859.

Allele frequency attached by ClinVar (database versions not stated): ExAC 0.00019; gnomAD exomes 0.00021 and 0.00030; TOPMed 0.00022; gnomAD 0.00028 and 0.00029; ESP Exome Variant Server 0.00031.
gnomAD v4.1: 472 of 1,605,234 alleles (0.029%); highest among the groups gnomAD compares: Non-Finnish European, 0.037%; no homozygotes.

Submissions (4):

Ambry Genetics
Classification: Likely benign for Inborn genetic diseases. Last evaluated: 2024-12-11. Review status: criteria provided, single submitter. Criteria: Ambry Variant Classification Scheme 2023. Collection method: clinical testing. Allele origin: germline.

Genome-Nilou Lab
Classification: Uncertain significance for Developmental and epileptic encephalopathy, 23. Last evaluated: 2023-04-11. Review status: criteria provided, single submitter. Criteria: ACMG Guidelines, 2015. Collection method: clinical testing. Allele origin: germline. Affected: no.

Labcorp Genetics (formerly Invitae), Labcorp
Classification: Uncertain significance for Developmental and epileptic encephalopathy, 23. Last evaluated: 2022-10-13. Review status: criteria provided, single submitter. Criteria: Invitae Variant Classification Sherloc (09022015). Collection method: clinical testing. Allele origin: germline.
Comment: This sequence change replaces valine, which is neutral and non-polar, with alanine, which is neutral and non-polar, at codon 422 of the DOCK7 protein (p.Val422Ala). This variant is present in population databases (rs199708701, gnomAD 0.04%). This variant has not been reported in the literature in individuals affected with DOCK7-related conditions. ClinVar contains an entry for this variant (Variation ID: 475124). Advanced modeling of protein sequence and biophysical properties (such as structural, functional, and spatial information, amino acid conservation, physicochemical variation, residue mobility, and thermodynamic stability) performed at Invitae indicates that this missense variant is not expected to disrupt DOCK7 protein function. In summary, the available evidence is currently insufficient to determine the role of this variant in disease. Therefore, it has been classified as a Variant of Uncertain Significance.

CeGaT Center for Human Genetics Tuebingen
Classification: Uncertain significance. Last evaluated: 2016-10-01. Review status: criteria provided, single submitter. Criteria: CeGaT Center For Human Genetics Tuebingen Variant Classification Criteria Version 2. Collection method: clinical testing. Allele origin: germline. Affected: yes. Observed: 1 variant allele.